The following is an entry in ClinVar:

ClinVar aggregate classification (germline): Uncertain significance (1 of 4 stars; one submission).

Conditions:
Fetal akinesia deformation sequence 1 (FADS1). Also called: Pena-Shokeir syndrome type I; Fetal akinesia sequence. Identifiers: Orphanet 994, MedGen C1276035, MONDO:0100101, OMIM 208150, HP:0001989.
Congenital myasthenic syndrome 10. Also called: Myasthenia, limb-girdle, familial. Identifiers: Orphanet 590, MedGen C1850792, MONDO:0009690, OMIM 254300.

Allele frequency attached by ClinVar (database versions not stated): gnomAD exomes below 0.00001; ExAC 0.00001.
gnomAD v4.1: 2 of 1,613,664 alleles (0.00012%); highest among the groups gnomAD compares: Non-Finnish European, 0.00017%; no homozygotes.

Submission:

Labcorp Genetics (formerly Invitae), Labcorp
Classification: Uncertain significance for Congenital myasthenic syndrome 10; Fetal akinesia deformation sequence 1. Last evaluated: 2022-01-15. Review status: criteria provided, single submitter. Criteria: Invitae Variant Classification Sherloc (09022015). Collection method: clinical testing. Allele origin: germline.
Comment: This sequence change replaces threonine, which is neutral and polar, with alanine, which is neutral and non-polar, at codon 149 of the DOK7 protein (p.Thr149Ala). This variant is present in population databases (rs759723884, gnomAD 0.0009%). This variant has not been reported in the literature in individuals affected with DOK7-related conditions. ClinVar contains an entry for this variant (Variation ID: 663291). Algorithms developed to predict the effect of missense changes on protein structure and function output the following: SIFT: "Tolerated"; PolyPhen-2: "Benign"; Align-GVGD: "Class C0". The alanine amino acid residue is found in multiple mammalian species, which suggests that this missense change does not adversely affect protein function. In summary, the available evidence is currently insufficient to determine the role of this variant in disease. Therefore, it has been classified as a Variant of Uncertain Significance.

NM_173660.5(DOK7):c.445A>G (p.Thr149Ala)

Gene: DOK7 (docking protein 7; plus strand). Cytogenetic location: 4p16.3.
Variant type: single nucleotide variant.
Coding change: c.445A>G on transcript NM_173660.5 (MANE Select); coding-DNA position 445, A replaced by G.
Protein change: p.Thr149Ala; replaces threonine 149 with alanine.
Molecular consequence: missense variant. On other transcripts: intron variant (1).
Genome position (GRCh38, 1-based): chr4:3,476,455, A>G. VCF-style: chr4-3476455-A-G. GRCh37 (hg19) VCF-style: chr4-3478182-A-G.
Other names: c.445A>G, p.Thr149Ala (NM_001164673.2, NM_001301071.2); c.101-9084A>G (NM_001363811.2); short protein forms T149A.
Identifiers: ClinVar variation 663291 (VCV000663291.6), dbSNP rs759723884, ClinGen allele CA2828998.
Genomic context (GRCh38, chr4:3,476,455, plus strand): 5'-GCTACCCTGCACCTCTGCAATGATGTCCTCGTCTTGGCCAGGGACATCCCCCCGGCTGTC[A>G]CGGGGCAGTGGAAGCTGTCTGACCTCCGGCGCTACGGGGCCGTGCCAAGCGGATTCATCT-3'
Protein context (NP_775931.3, residues 139-159): VLARDIPPAV[Thr149Ala]GQWKLSDLRR